The following is an entry in ClinVar:

ClinVar aggregate classification (germline): Uncertain significance (1 of 4 stars; one submission).

Submission:

GeneDx
Classification: Uncertain significance. Last evaluated: 2022-06-16. Review status: criteria provided, single submitter. Criteria: GeneDx Variant Classification Process June 2021. Collection method: clinical testing. Allele origin: germline. Affected: yes.
Comment: Not observed at significant frequency in large population cohorts (gnomAD); In silico analysis supports that this missense variant has a deleterious effect on protein structure/function; Has not been previously published as pathogenic or benign to our knowledge

NM_002471.4(MYH6):c.2637G>A (p.Met879Ile)

Gene: MYH6 (myosin heavy chain 6; minus strand). Cytogenetic location: 14q11.2.
Variant type: single nucleotide variant.
Coding change: c.2637G>A on transcript NM_002471.4 (MANE Select); coding-DNA position 2637, G replaced by A.
Protein change: p.Met879Ile; replaces methionine 879 with isoleucine.
Molecular consequence: missense variant.
Genome position (GRCh38, 1-based): chr14:23,394,116, C>T on the plus strand (G>A on the coding strand, the complement: MYH6 is on the minus strand). VCF-style: chr14-23394116-C-T. GRCh37 (hg19) VCF-style: chr14-23863325-C-T.
Other names: short protein forms M879I.
Identifiers: ClinVar variation 1804535 (VCV001804535.1), dbSNP rs746006714, ClinGen allele CA389013914.